The following is an entry in ClinVar:

NM_176787.5(PIGN):c.749G>A (p.Gly250Glu)

Gene: PIGN (phosphatidylinositol glycan anchor biosynthesis class N; minus strand). Cytogenetic location: 18q21.33.
Variant type: single nucleotide variant.
Coding change: c.749G>A on transcript NM_176787.5 (MANE Select); coding-DNA position 749, G replaced by A.
Protein change: p.Gly250Glu; replaces glycine 250 with glutamic acid.
Molecular consequence: missense variant.
Genome position (GRCh38, 1-based): chr18:62,147,027, C>T on the plus strand (G>A on the coding strand, the complement: PIGN is on the minus strand). VCF-style: chr18-62147027-C-T. GRCh37 (hg19) VCF-style: chr18-59814260-C-T.
Other names: c.749G>A (NM_176787.4); c.749G>A, p.Gly250Glu (NM_012327.6); short protein forms G250E.
Identifiers: ClinVar variation 1988379 (VCV001988379.5), dbSNP rs761044680, ClinGen allele CA8982509.

ClinVar aggregate classification (germline): Uncertain significance. Review status: criteria provided, multiple submitters, no conflicts (2 of 4 stars). 2 submissions from 2 submitters: Uncertain significance (2). Last evaluated 2023-12-26.

Conditions:
Multiple congenital anomalies-hypotonia-seizures syndrome 1 (MCAHS1). Also called: PIGN-CDG; Congenital disorder of glycosylation due to PIGN deficiency; GLYCOSYLPHOSPHATIDYLINOSITOL BIOSYNTHESIS DEFECT 3. Identifiers: Orphanet 280633, MedGen C3279775, MONDO:0013563, OMIM 614080.
Inborn genetic diseases. Identifiers: MedGen C0950123, MeSH D030342.

Allele frequency attached by ClinVar (database versions not stated): gnomAD exomes below 0.00001; ExAC 0.00001; TOPMed 0.00002.
gnomAD v4.1: 2 of 1,612,022 alleles (0.00012%); highest among the groups gnomAD compares: Admixed American, 0.0033%; no homozygotes.

Submissions (2):

Ambry Genetics
Classification: Uncertain significance for Inborn genetic diseases. Last evaluated: 2023-12-26. Review status: criteria provided, single submitter. Criteria: Ambry Variant Classification Scheme 2023. Collection method: clinical testing. Allele origin: germline.

Labcorp Genetics (formerly Invitae), Labcorp
Classification: Uncertain significance for Multiple congenital anomalies-hypotonia-seizures syndrome 1. Last evaluated: 2022-03-09. Review status: criteria provided, single submitter. Criteria: Invitae Variant Classification Sherloc (09022015). Collection method: clinical testing. Allele origin: germline.
Comment: In summary, the available evidence is currently insufficient to determine the role of this variant in disease. Therefore, it has been classified as a Variant of Uncertain Significance. Algorithms developed to predict the effect of missense changes on protein structure and function output the following: SIFT: "Not Available"; PolyPhen-2: "Benign"; Align-GVGD: "Not Available". The glutamic acid amino acid residue is found in multiple mammalian species, which suggests that this missense change does not adversely affect protein function. This variant has not been reported in the literature in individuals affected with PIGN-related conditions. This variant is present in population databases (rs761044680, gnomAD 0.003%). This sequence change replaces glycine, which is neutral and non-polar, with glutamic acid, which is acidic and polar, at codon 250 of the PIGN protein (p.Gly250Glu).